The following is an entry in ClinVar:

NM_007294.4(BRCA1):c.823G>A (p.Gly275Ser)

Gene: BRCA1 (BRCA1 DNA repair associated; minus strand). Cytogenetic location: 17q21.31.
Variant type: single nucleotide variant.
Coding change: c.823G>A on transcript NM_007294.4 (MANE Select); coding-DNA position 823, G replaced by A.
Protein change: p.Gly275Ser; replaces glycine 275 with serine.
Molecular consequence: missense variant. On other transcripts: 5 prime UTR variant (2), intron variant (137).
Genome position (GRCh38, 1-based): chr17:43,094,708, C>T on the plus strand (G>A on the coding strand, the complement: BRCA1 is on the minus strand). VCF-style: chr17-43094708-C-T. GRCh37 (hg19) VCF-style: chr17-41246725-C-T.
Other names: p.G275S:GGC>AGC; c.682G>A, p.Gly228Ser (NM_001407737.1, NM_001407738.1, NM_001407750.1 and 29 more transcripts); c.679G>A, p.Gly227Ser (NM_001407749.1, NM_001407838.1, NM_001407839.1 and 20 more transcripts); c.823G>A, p.Gly275Ser (NM_001407854.1, NM_001407858.1, NM_001407859.1 and 30 more transcripts); c.820G>A, p.Gly274Ser (NM_001407860.1, NM_001407861.1, NM_001407587.1 and 22 more transcripts); c.622G>A, p.Gly208Ser (NM_001407862.1); c.700G>A, p.Gly234Ser (NM_001407863.1, NM_001407648.1, NM_001407666.1 and 19 more transcripts); c.619G>A, p.Gly207Ser (NM_001407874.1, NM_001407875.1); and 41 more; short protein forms G275S, G228S, G205S, G272S, G107S, G148S, G164S, G186S.
Identifiers: ClinVar variation 55725 (VCV000055725.48), dbSNP rs8176153, ClinGen allele CA003920.
Genomic context (GRCh38, chr17:43,094,708, plus strand): 5'-CTTTAGTGAGTAATAAACTGCTGTTCTCATGCTGTAATGAGCTGGCATGAGTATTTGTGC[C>T]ACATGGCTCCACATGCAAGTTTGAAACAGAACTACCCTGATACTTTTCTGGATGCCTCTC-3'
Protein context (NP_009225.1, residues 265-285): SVSNLHVEPC[Gly275Ser]TNTHASSLQH

ClinVar aggregate classification (germline): Benign. Review status: reviewed by expert panel (3 of 4 stars). 22 submissions from 22 submitters: Benign (1). 21 of the submissions do not count toward it. Last evaluated 2019-06-18.

Conditions:
Hereditary cancer-predisposing syndrome. Also called: Hereditary Cancer Syndrome; Hereditary neoplastic syndrome; Neoplastic Syndromes, Hereditary; Tumor predisposition. Identifiers: Orphanet 140162, MedGen C0027672, MeSH D009386, MONDO:0015356.
Breast-ovarian cancer, familial, susceptibility to, 1 (BROVCA1). Also called: BRCA1 Hereditary Breast and Ovarian Cancer; OVARIAN CANCER, SUSCEPTIBILITY TO. Identifiers: Orphanet 145, MedGen C2676676, MONDO:0011450, OMIM 604370. Disease mechanism: loss of function.
Hereditary breast ovarian cancer syndrome. Also called: BRCA1- and BRCA2-Associated Hereditary Breast and Ovarian Cancer; Hereditary breast and ovarian cancer syndrome; Hereditary breast and ovarian cancer syndrome (HBOC); Breast and ovarian cancer; Hereditary breast and/or ovarian cancer syndrome; Hereditary breast and ovarian cancer. Identifiers: Orphanet 145, MedGen C0677776, MeSH D061325, MONDO:0003582. Disease mechanism: loss of function.

Allele frequency attached by ClinVar (database versions not stated): gnomAD below 0.00001 and 0.00013; ExAC 0.00067; TOPMed 0.00002; 1000 Genomes Project 30x 0.00047; gnomAD exomes 0.00031 and 0.00056; 1000 Genomes Project 0.00040.
gnomAD v4.1: 461 of 1,611,784 alleles (0.029%); highest among the groups gnomAD compares: South Asian, 0.49%; 5 homozygotes.

Submissions 1 to 16 of 22:

Evidence-based Network for the Interpretation of Germline Mutant Alleles (ENIGMA)
Classification: Benign for Breast-ovarian cancer, familial, susceptibility to, 1. Last evaluated: 2019-06-18. Review status: reviewed by expert panel. Criteria: ENIGMA BRCA1/2 Classification Criteria (2017-06-29). Collection method: curation. Allele origin: germline.
Comment: Variant allele has low bioinformatic likelihood to encode a missense alteration affecting protein function (Missense prior probability 0.02), AND low bioinformatic likelihood to alter mRNA splicing (splicing prior 0.02), AND minor allele frequency 0.00460 (South Asian), derived from gnomAD v2.1.1 non-cancer (2019-05-13).

Labcorp Genetics (formerly Invitae), Labcorp
Classification: Benign for Hereditary breast ovarian cancer syndrome. Last evaluated: 2026-02-03. Review status: criteria provided, single submitter. Criteria: Invitae Variant Classification Sherloc (09022015). Collection method: clinical testing. Allele origin: germline. Not counted in ClinVar's aggregate classification.

Center for Genomic Medicine, Rigshospitalet, Copenhagen University Hospital
Classification: Benign. Last evaluated: 2025-03-04. Review status: criteria provided, single submitter. Criteria: ACMG Guidelines, 2015. Collection method: clinical testing. Allele origin: germline. Not counted in ClinVar's aggregate classification.

Blueprint Genetics
Classification: Likely benign. Last evaluated: 2024-09-30. Review status: criteria provided, single submitter. Criteria: ACMG Guidelines, 2015. Collection method: clinical testing. Allele origin: germline. Not counted in ClinVar's aggregate classification.

Quest Diagnostics Nichols Institute San Juan Capistrano
Classification: Benign. Last evaluated: 2023-09-08. Review status: criteria provided, single submitter. Criteria: Quest Diagnostics criteria. Collection method: clinical testing. Allele origin: unknown. Not counted in ClinVar's aggregate classification.

Women's Health and Genetics/Laboratory Corporation of America, LabCorp
Classification: Benign. Last evaluated: 2022-04-09. Review status: criteria provided, single submitter. Criteria: LabCorp Variant Classification Summary - May 2015. Collection method: clinical testing. Allele origin: germline. Not counted in ClinVar's aggregate classification.
Comment: Variant summary: BRCA1 c.823G>A (p.Gly275Ser) results in a non-conservative amino acid change in the encoded protein sequence. Three of five in-silico tools predict a damaging effect of the variant on protein function. The variant allele was found at a frequency of 0.00056 in 250402 control chromosomes, predominantly at a frequency of 0.0046 within the South Asian subpopulation in the gnomAD database, including 2 homozygotes. The observed variant frequency within South Asian control individuals in the gnomAD database is approximately 4.6 fold of the estimated maximal expected allele frequency for a pathogenic variant in BRCA1 causing Hereditary Breast And Ovarian Cancer Syndrome phenotype (0.001), strongly suggesting that the variant is a benign polymorphism found primarily in populations of South Asian origin. c.823G>A has been reported in the literature in individuals affected with Breast and Ovarian Cancer, primarily in individuals of South Asian ethnicity (example, Vinodkumar_2007, Ahmad_2012, Juwle_2012, Sirisena_2016). These report(s) do not provide unequivocal conclusions about association of the variant with Hereditary Breast And Ovarian Cancer Syndrome. At-least one co-occurrence with another pathogenic variant has been reported in the UMD database (BRCA2 c.2612C>A, p.Ser871X), providing supporting evidence for a benign role. At least one publication reports experimental evidence evaluating an impact on protein function, however, does not allow convincing conclusions about the variant effect (Starita_2015). Multiple clinical diagnostic laboratories and an expert panel (ENIGMA) have submitted clinical-significance assessments for this variant to ClinVar after 2014 with a predominant consensus as benign/likely benign. Based on the evidence outlined above, the variant was classified as benign.

ARUP Laboratories, Molecular Genetics and Genomics, ARUP Laboratories
Classification: Likely benign. Last evaluated: 2022-01-10. Review status: criteria provided, single submitter. Criteria: ARUP Molecular Germline Variant Investigation Process 2021. Collection method: clinical testing. Allele origin: germline. Not counted in ClinVar's aggregate classification.

Sema4
Classification: Benign for Hereditary cancer-predisposing syndrome. Last evaluated: 2021-10-02. Review status: criteria provided, single submitter. Criteria: Sema4 Curation Guidelines. Collection method: curation. Allele origin: germline. Not counted in ClinVar's aggregate classification.

Mendelics
Classification: Benign for Breast-ovarian cancer, familial, susceptibility to, 1. Last evaluated: 2019-05-28. Review status: criteria provided, single submitter. Criteria: Mendelics Assertion Criteria 2017. Collection method: clinical testing. Allele origin: unknown. Not counted in ClinVar's aggregate classification.

Genetic Services Laboratory, University of Chicago
Classification: Likely benign. Last evaluated: 2018-04-17. Review status: criteria provided, single submitter. Criteria: ACMG Guidelines, 2015. Collection method: clinical testing. Allele origin: germline. Affected: no. Not counted in ClinVar's aggregate classification.

GeneDx
Classification: Likely benign. Last evaluated: 2018-01-12. Review status: criteria provided, single submitter. Criteria: GeneDx Variant Classification (06012015). Collection method: clinical testing. Allele origin: germline. Affected: yes. Not counted in ClinVar's aggregate classification.
Comment: This variant is considered likely benign or benign based on one or more of the following criteria: it is a conservative change, it occurs at a poorly conserved position in the protein, it is predicted to be benign by multiple in silico algorithms, and/or has population frequency not consistent with disease.

Ambry Genetics
Classification: Likely benign for Hereditary cancer-predisposing syndrome. Last evaluated: 2017-12-19. Review status: criteria provided, single submitter. Criteria: Ambry Variant Classification Scheme 2023. Collection method: clinical testing. Allele origin: germline. Not counted in ClinVar's aggregate classification.

Illumina Laboratory Services, Illumina
Classification: Uncertain significance for Breast-ovarian cancer, familial, susceptibility to, 1. Last evaluated: 2017-04-27. Review status: criteria provided, single submitter. Criteria: ICSL Variant Classification Criteria 13 December 2019. Collection method: clinical testing. Allele origin: germline. Not counted in ClinVar's aggregate classification.
Comment: This variant was observed as part of a predisposition screen in an ostensibly healthy population. A literature search was performed for the gene, cDNA change, and amino acid change (where applicable). Publications were found based on this search. However, the evidence from the literature, in combination with allele frequency data from public databases where available, was not sufficient to rule this variant in or out of causing disease. Therefore, this variant is classified as a variant of unknown significance.

Cancer Genetics and Genomics Laboratory, British Columbia Cancer Agency
Classification: Likely benign. Last evaluated: 2017-04-18. Review status: criteria provided, single submitter. Criteria: ACMG Guidelines, 2015. Collection method: clinical testing. Allele origin: germline. Study: The Canadian Open Genetics Repository (COGR). Not counted in ClinVar's aggregate classification.

Color Diagnostics, LLC DBA Color Health
Classification: Likely benign for Hereditary cancer-predisposing syndrome. Last evaluated: 2016-02-09. Review status: criteria provided, single submitter. Criteria: ACMG Guidelines, 2015. Collection method: clinical testing. Allele origin: germline. Not counted in ClinVar's aggregate classification.

Counsyl
Classification: Likely benign for Breast-ovarian cancer, familial, susceptibility to, 1. Last evaluated: 2016-03-03. Review status: no assertion criteria provided. Collection method: clinical testing. Allele origin: unknown. Not counted in ClinVar's aggregate classification.